The following is an entry in ClinVar:

ClinVar aggregate classification (germline): Likely pathogenic (1 of 4 stars; one submission).

Conditions:
Developmental and epileptic encephalopathy, 2 (DEE2). Also called: CDKL5 deficiency disorder; INFANTILE SPASM SYNDROME, X-LINKED 2. Identifiers: Orphanet 1934, Orphanet 3451, Orphanet 505652, MedGen C4750718, MONDO:0010396, OMIM 300672.

Submission:

Daryl Scott Lab, Baylor College of Medicine
Classification: Likely pathogenic for Developmental and epileptic encephalopathy, 2. Last evaluated: 2024-01-01. Review status: criteria provided, single submitter. Criteria: ACMG Guidelines, 2015. Collection method: clinical testing. Allele origin: de novo. Affected: yes. Observed: 1 heterozygote.
Comment: PS2, PM2, PP3

NM_001323289.2(CDKL5):c.529T>C (p.Tyr177His)

Gene: CDKL5 (cyclin dependent kinase like 5; plus strand). Cytogenetic location: Xp22.13.
Variant type: single nucleotide variant.
Coding change: c.529T>C on transcript NM_001323289.2 (MANE Select); coding-DNA position 529, T replaced by C.
Protein change: p.Tyr177His; replaces tyrosine 177 with histidine.
Molecular consequence: missense variant.
Genome position (GRCh38, 1-based): chrX:18,584,328, T>C. VCF-style: chrX-18584328-T-C. GRCh37 (hg19) VCF-style: chrX-18602448-T-C.
Other names: c.529T>C, p.Tyr177His (NM_001037343.2, NM_003159.3); short protein forms Y177H.
Identifiers: ClinVar variation 3764554 (VCV003764554.1).